The following is an entry in ClinVar:

ClinVar aggregate classification (germline): Conflicting classifications of pathogenicity. Review status: criteria provided, conflicting classifications (1 of 4 stars). 2 submissions from 2 submitters: Uncertain significance (1); Likely benign (1). Last evaluated 2026-04-01.

Allele frequency attached by ClinVar (database versions not stated): ESP Exome Variant Server 0.00015; TOPMed 0.00036.
gnomAD v4.1: 378 of 1,610,966 alleles (0.023%); highest among the groups gnomAD compares: Admixed American, 0.077%; no homozygotes.

Submissions (2):

CeGaT Center for Human Genetics Tuebingen
Classification: Uncertain significance. Last evaluated: 2026-04-01. Review status: criteria provided, single submitter. Criteria: CeGaT Center For Human Genetics Tuebingen Variant Classification Criteria Version 2. Collection method: clinical testing. Allele origin: germline. Affected: yes. Observed: 2 variant alleles.
Comment: RNF213: PM2, BP4

Labcorp Genetics (formerly Invitae), Labcorp
Classification: Likely benign. Last evaluated: 2025-06-13. Review status: criteria provided, single submitter. Criteria: Invitae Variant Classification Sherloc (09022015). Collection method: clinical testing. Allele origin: germline.

NM_001256071.3(RNF213):c.10438C>T (p.Arg3480Trp)

Genes: RNF213-AS1 (RNF213 antisense RNA 1; minus strand), RNF213 (ring finger protein 213; plus strand). Cytogenetic location: 17q25.3.
Variant type: single nucleotide variant.
Coding change: c.10438C>T on transcript NM_001256071.3 (MANE Select); coding-DNA position 10438, C replaced by T.
Protein change: p.Arg3480Trp; replaces arginine 3480 with tryptophan.
Molecular consequence: missense variant. On other transcripts: non-coding transcript variant (1).
Genome position (GRCh38, 1-based): chr17:80,353,526, C>T. VCF-style: chr17-80353526-C-T. GRCh37 (hg19) VCF-style: chr17-78327326-C-T.
Other names: short protein forms R3480W.
Identifiers: ClinVar variation 808332 (VCV000808332.44), dbSNP rs148139681, ClinGen allele CA8821447.
Genomic context (GRCh38, chr17:80,353,526, plus strand): 5'-TGCCACCTTCTGAGTGGTAACGCAATCACGTTTGCTTCGACTGCAGTGGGCTTGGAACAC[C>T]GGGCGGAAGACGGCCATGAGGAGGCGATGGAGACGGAGGCCAGCACATCAGGGGAGGTGG-3'
Protein context (NP_001243000.2, residues 3470-3490): GDLPELGLEH[Arg3480Trp]AEDGHEEAME